The following is an entry in ClinVar:

ClinVar aggregate classification (germline): Conflicting classifications of pathogenicity. Review status: criteria provided, conflicting classifications (1 of 4 stars). 4 submissions from 4 submitters: Uncertain significance (3); Likely benign (1). Last evaluated 2025-12-29.

Conditions:
Multiple endocrine neoplasia, type 1 (MEN1). Also called: MEN I; WERMER SYNDROME; Endocrine adenomatosis multiple; MEN 1; MEA I. Identifiers: Orphanet 652, MedGen C0025267, MeSH D018761, MONDO:0007540, OMIM 131100.
Hereditary cancer-predisposing syndrome. Also called: Neoplastic Syndromes, Hereditary; Hereditary Cancer Syndrome; Hereditary neoplastic syndrome; Tumor predisposition. Identifiers: Orphanet 140162, MedGen C0027672, MeSH D009386, MONDO:0015356.

Allele frequency attached by ClinVar (database versions not stated): gnomAD exomes below 0.00001; TOPMed 0.00001.
gnomAD v4.1: 4 of 1,614,114 alleles (0.00025%); highest among the groups gnomAD compares: East Asian, 0.0022%; no homozygotes.

Submissions (4):

Labcorp Genetics (formerly Invitae), Labcorp
Classification: Likely benign for Multiple endocrine neoplasia, type 1. Last evaluated: 2025-12-29. Review status: criteria provided, single submitter. Criteria: Invitae Variant Classification Sherloc (09022015). Collection method: clinical testing. Allele origin: germline.

Ambry Genetics
Classification: Uncertain significance for Hereditary cancer-predisposing syndrome. Last evaluated: 2024-05-08. Review status: criteria provided, single submitter. Criteria: Ambry Variant Classification Scheme 2023. Collection method: clinical testing. Allele origin: germline.
Comment: The p.I247T variant (also known as c.740T>C), located in coding exon 3 of the MEN1 gene, results from a T to C substitution at nucleotide position 740. The isoleucine at codon 247 is replaced by threonine, an amino acid with similar properties. In one study, this alteration was identified in 1/101 patients with islet cell tumors of the pancreas (Erlic Z et al. Endocr. Relat. Cancer, 2010 Dec;17:875-83). This amino acid position is well conserved in available vertebrate species. In addition, this alteration is predicted to be deleterious by in silico analysis. Since supporting evidence is limited at this time, the clinical significance of this alteration remains unclear.

All of Us Research Program, National Institutes of Health
Classification: Uncertain significance for Multiple endocrine neoplasia, type 1. Last evaluated: 2023-06-28. Review status: criteria provided, single submitter. Criteria: ACMG Guidelines, 2015. Collection method: clinical testing. Allele origin: germline. Inheritance: Autosomal dominant inheritance. Observed: 1 variant allele, 1 heterozygote.
Comment: This missense variant replaces isoleucine with threonine at codon 247 of the MEN1 protein. Computational prediction suggests that this variant may have deleterious impact on protein structure and function (internally defined REVEL score threshold >= 0.7, PMID: 27666373). To our knowledge, functional studies have not been reported for this variant. This variant has been reported in an individual affected with pancreatic islet cell tumor (PMID: 20660572). This variant has been identified in 1/251380 chromosomes in the general population by the Genome Aggregation Database (gnomAD). The available evidence is insufficient to determine the role of this variant in disease conclusively. Therefore, this variant is classified as a Variant of Uncertain Significance.

This study involves interpretation of variants in research participants for the purpose of population health screening. Participant phenotype was not available at the time of variant classification. Additional details can be found in publication PMID: 35346344, PMCID: PMC8962531

Institute for Clinical Genetics, University Hospital TU Dresden, University Hospital TU Dresden
Classification: Uncertain significance. Last evaluated: 2021-11-03. Review status: criteria provided, single submitter. Criteria: ACMG Guidelines, 2015. Collection method: clinical testing. Allele origin: germline.

Literature cited by the submitters: PubMed 20660572 (cited by Ambry Genetics and All of Us Research Program, National Institutes of Health).

NM_001370259.2(MEN1):c.740T>C (p.Ile247Thr)

Gene: MEN1 (menin 1; minus strand). Cytogenetic location: 11q13.1.
Variant type: single nucleotide variant.
Coding change: c.740T>C on transcript NM_001370259.2 (MANE Select); coding-DNA position 740, T replaced by C.
Protein change: p.Ile247Thr; replaces isoleucine 247 with threonine.
Molecular consequence: missense variant.
Genome position (GRCh38, 1-based): chr11:64,807,595, A>G on the plus strand (T>C on the coding strand, the complement: MEN1 is on the minus strand). VCF-style: chr11-64807595-A-G. GRCh37 (hg19) VCF-style: chr11-64575067-A-G.
Other names: c.740T>C, p.Ile247Thr (NM_001370251.2, NM_001370260.2, NM_001370261.2 and 1 more transcripts); c.635T>C, p.Ile212Thr (NM_001370262.2, NM_001370263.2); c.755T>C, p.Ile252Thr (NM_000244.4, NM_130800.3, NM_130801.3 and 3 more transcripts); short protein forms I247T, I252T, I212T.
Identifiers: ClinVar variation 827026 (VCV000827026.18), dbSNP rs1043531053, ClinGen allele CA223915383.